The following is an entry in ClinVar:

NM_006567.5(FARS2):c.1270A>G (p.Thr424Ala)

Gene: FARS2 (phenylalanyl-tRNA synthetase 2, mitochondrial; plus strand). Cytogenetic location: 6p25.1.
Variant type: single nucleotide variant.
Coding change: c.1270A>G on transcript NM_006567.5 (MANE Select); coding-DNA position 1270, A replaced by G.
Protein change: p.Thr424Ala; replaces threonine 424 with alanine.
Molecular consequence: missense variant.
Genome position (GRCh38, 1-based): chr6:5,771,343, A>G. VCF-style: chr6-5771343-A-G. GRCh37 (hg19) VCF-style: chr6-5771576-A-G.
Other names: c.1270A>G, p.Thr424Ala (NM_001318872.2, NM_001374875.1, NM_001374876.1 and 4 more transcripts); c.1138A>G, p.Thr380Ala (NM_001375258.1); c.574A>G, p.Thr192Ala (NM_001375259.1, NM_001375260.1); short protein forms T380A, T424A, T192A.
Identifiers: ClinVar variation 4760519 (VCV004760519.1).

ClinVar aggregate classification (germline): Uncertain significance (1 of 4 stars; one submission).

Conditions:
Combined oxidative phosphorylation defect type 14. Also called: Combined oxidative phosphorylation deficiency 14. Identifiers: Orphanet 319519, MedGen C4755312, MONDO:0013986, OMIM 614946.

Submission:

Labcorp Genetics (formerly Invitae), Labcorp
Classification: Uncertain significance for Combined oxidative phosphorylation defect type 14. Last evaluated: 2025-11-23. Review status: criteria provided, single submitter. Criteria: Invitae Variant Classification Sherloc (09022015). Collection method: clinical testing. Allele origin: germline.
Comment: This sequence change replaces threonine, which is neutral and polar, with alanine, which is neutral and non-polar, at codon 424 of the FARS2 protein (p.Thr424Ala). This variant is not present in population databases (gnomAD no frequency). This variant has not been reported in the literature in individuals affected with FARS2-related conditions. Invitae Evidence Modeling of protein sequence and biophysical properties (such as structural, functional, and spatial information, amino acid conservation, physicochemical variation, residue mobility, and thermodynamic stability) indicates that this missense variant is not expected to disrupt FARS2 protein function with a negative predictive value of 80%. In summary, the available evidence is currently insufficient to determine the role of this variant in disease. Therefore, it has been classified as a Variant of Uncertain Significance.